The following is an entry in ClinVar:

ClinVar aggregate classification (germline): Uncertain significance (1 of 4 stars; one submission).

Allele frequency attached by ClinVar (database versions not stated): gnomAD exomes below 0.00001.
gnomAD v4.1: 4 of 1,137,522 alleles (0.00035%); highest among the groups gnomAD compares: Non-Finnish European, 0.00043%; no homozygotes.

Submission:

Labcorp Genetics (formerly Invitae), Labcorp
Classification: Uncertain significance. Last evaluated: 2022-02-10. Review status: criteria provided, single submitter. Criteria: Invitae Variant Classification Sherloc (09022015). Collection method: clinical testing. Allele origin: germline.
Comment: In summary, the available evidence is currently insufficient to determine the role of this variant in disease. Therefore, it has been classified as a Variant of Uncertain Significance. Algorithms developed to predict the effect of missense changes on protein structure and function are either unavailable or do not agree on the potential impact of this missense change (SIFT: "Deleterious"; PolyPhen-2: "Benign"; Align-GVGD: "Class C0"). This variant has not been reported in the literature in individuals affected with PKDCC-related conditions. The frequency data for this variant in the population databases is considered unreliable, as metrics indicate insufficient coverage at this position in the gnomAD database. This sequence change replaces tyrosine, which is neutral and polar, with cysteine, which is neutral and slightly polar, at codon 70 of the PKDCC protein (p.Tyr70Cys).

NM_138370.3(PKDCC):c.209A>G (p.Tyr70Cys)

Genes: PKDCC (protein kinase domain containing, cytoplasmic; plus strand), LOC129933564 (ATAC-STARR-seq lymphoblastoid silent region 11397; plus strand). Cytogenetic location: 2p21.
Variant type: single nucleotide variant.
Coding change: c.209A>G on transcript NM_138370.3 (MANE Select); coding-DNA position 209, A replaced by G.
Protein change: p.Tyr70Cys; replaces tyrosine 70 with cysteine.
Molecular consequence: missense variant.
Genome position (GRCh38, 1-based): chr2:42,048,408, A>G. VCF-style: chr2-42048408-A-G. GRCh37 (hg19) VCF-style: chr2-42275548-A-G.
Other names: short protein forms Y70C.
Identifiers: ClinVar variation 1433203 (VCV001433203.5), dbSNP rs2103921955, ClinGen allele CA346622708.